The following is an entry in ClinVar:

ClinVar aggregate classification (germline): Uncertain significance (1 of 4 stars; one submission).

Submission:

GeneDx
Classification: Uncertain significance. Last evaluated: 2022-04-12. Review status: criteria provided, single submitter. Criteria: GeneDx Variant Classification Process June 2021. Collection method: clinical testing. Allele origin: germline. Affected: yes.
Comment: Not observed at significant frequency in large population cohorts (gnomAD); In silico analysis supports that this missense variant does not alter protein structure/function; Has not been previously published as pathogenic or benign to our knowledge

NM_001330078.2(NRXN1):c.1778C>A (p.Thr593Lys)

Gene: NRXN1 (neurexin 1; minus strand). Cytogenetic location: 2p16.3.
Variant type: single nucleotide variant.
Coding change: c.1778C>A on transcript NM_001330078.2 (MANE Select); coding-DNA position 1778, C replaced by A.
Protein change: p.Thr593Lys; replaces threonine 593 with lysine.
Molecular consequence: missense variant.
Genome position (GRCh38, 1-based): chr2:50,538,618, G>T on the plus strand (C>A on the coding strand, the complement: NRXN1 is on the minus strand). VCF-style: chr2-50538618-G-T. GRCh37 (hg19) VCF-style: chr2-50765756-G-T.
Other names: c.1898C>A, p.Thr633Lys (NM_001135659.3); c.1754C>A, p.Thr585Lys (NM_001330077.2, NM_001330082.2, NM_001330095.2); c.1739C>A, p.Thr580Lys (NM_001330083.2, NM_001330084.2); c.1778C>A, p.Thr593Lys (NM_001330085.2, NM_001330086.2, NM_004801.6); c.1694C>A, p.Thr565Lys (NM_001330087.2, NM_001330096.2); c.1724C>A, p.Thr575Lys (NM_001330088.2); c.1775C>A, p.Thr592Lys (NM_001330093.2); c.1766C>A, p.Thr589Lys (NM_001330094.2); short protein forms T565K, T575K, T580K, T585K, T589K, T592K, T593K, T633K.
Identifiers: ClinVar variation 1678839 (VCV001678839.2), dbSNP rs201530175, ClinGen allele CA346771442.
Genomic context (GRCh38, chr2:50,538,618, plus strand): 5'-AACTCATCATCCAGGTCCAGAATCTCACTCTCACCAGGAGCAGTGTAGGGAGTACGCAAC[G>T]TGTTGACAGAAATGGTACCTATTTCAAAGAGAGGAGAATGCACAGGTCTTTAAAAAGCAC-3'
Protein context (NP_001317007.1, residues 583-603): DGRSGTISVN[Thr593Lys]LRTPYTAPGE